The following is an entry in ClinVar:

NM_001130987.2(DYSF):c.346-2A>G

Gene: DYSF (dysferlin; plus strand). Cytogenetic location: 2p13.2.
Variant type: single nucleotide variant.
Coding change: c.346-2A>G on transcript NM_001130987.2 (MANE Select); the canonical splice acceptor site of the intron before coding-DNA position 346, A replaced by G.
Molecular consequence: splice acceptor variant.
Genome position (GRCh38, 1-based): chr2:71,511,805, A>G. VCF-style: chr2-71511805-A-G. GRCh37 (hg19) VCF-style: chr2-71738935-A-G.
Other names: c.343-2A>G (NM_001130979.2, NM_001130981.2, NM_001130980.2 and 4 more transcripts); c.346-2A>G (NM_001130982.2, NM_001130985.2, NM_001130983.2 and 3 more transcripts).
Identifiers: ClinVar variation 4733858 (VCV004733858.1).

ClinVar aggregate classification (germline): Likely pathogenic (1 of 4 stars; one submission).

Conditions:
Neuromuscular disease caused by qualitative or quantitative defects of dysferlin. Also called: Qualitative or quantitative defects of dysferlin; Dysferlinopathy. Identifiers: Orphanet 207073, MedGen C2931687, MONDO:0016145.

gnomAD v4.1: 1 of 1,546,304 alleles (0.000065%); highest among the groups gnomAD compares: Non-Finnish European, 0.000088%; no homozygotes.

Submission:

Labcorp Genetics (formerly Invitae), Labcorp
Classification: Likely pathogenic for Neuromuscular disease caused by qualitative or quantitative defects of dysferlin. Last evaluated: 2025-12-22. Review status: criteria provided, single submitter. Criteria: Invitae Variant Classification Sherloc (09022015). Collection method: clinical testing. Allele origin: germline.
Comment: This sequence change affects an acceptor splice site in intron 4 of the DYSF gene. It is expected to disrupt RNA splicing. Variants that disrupt the donor or acceptor splice site typically lead to a loss of protein function (PMID: 16199547), and loss-of-function variants in DYSF are known to be pathogenic (PMID: 17698709, 20301480). This variant is not present in population databases (gnomAD no frequency). Disruption of this splice site has been observed in individual(s) with clinical features of dysferlinopathy (internal data). Algorithms developed to predict the effect of sequence changes on RNA splicing suggest that this variant may disrupt the consensus splice site. In summary, the currently available evidence indicates that the variant is pathogenic, but additional data are needed to prove that conclusively. Therefore, this variant has been classified as Likely Pathogenic.

Literature cited by the submitters: PubMed 16199547; PubMed 17698709; PubMed 20301480.